The following is an entry in ClinVar:

NM_003835.4(RGS9):c.313_314delinsGG (p.Thr105Gly)

Gene: RGS9 (regulator of G protein signaling 9; plus strand). Cytogenetic location: 17q24.1.
Variant type: Indel.
Coding change: c.313_314delinsGG on transcript NM_003835.4 (MANE Select); coding-DNA positions 313 to 314, AC replaced by GG.
Protein change: p.Thr105Gly; replaces threonine 105 with glycine.
Molecular consequence: missense variant.
Genome position (GRCh38, 1-based): chr17:65,160,536-65,160,537, AC replaced by GG. VCF-style: chr17-65160536-AC-GG. GRCh37 (hg19) VCF-style: chr17-63156654-AC-GG.
Other names: c.313_314delinsGG, p.Thr105Gly (NM_001081955.3, NM_001165933.2); short protein forms T105G.
Identifiers: ClinVar variation 197756 (VCV000197756.17), dbSNP rs797044755, ClinGen allele CA246076.

ClinVar aggregate classification (germline): Conflicting classifications of pathogenicity. Review status: criteria provided, conflicting classifications (1 of 4 stars). 5 submissions from 5 submitters: Uncertain significance (3); Likely benign (1). 1 of the submissions does not count toward it. Last evaluated 2026-02-03.

Conditions:
Retinal dystrophy. Also called: Inherited retinal dystrophy. Identifiers: Orphanet 71862, MedGen C0854723, MeSH D058499, MONDO:0019118, HP:0000556.

Submissions (5):

Labcorp Genetics (formerly Invitae), Labcorp
Classification: Likely benign. Last evaluated: 2026-02-03. Review status: criteria provided, single submitter. Criteria: Invitae Variant Classification Sherloc (09022015). Collection method: clinical testing. Allele origin: germline.

Blueprint Genetics
Classification: Uncertain significance. Last evaluated: 2019-01-16. Review status: criteria provided, single submitter. Criteria: ACMG Guidelines, 2015. Collection method: clinical testing. Allele origin: germline.

GeneDx
Classification: Uncertain significance. Last evaluated: 2017-06-20. Review status: criteria provided, single submitter. Criteria: GeneDx Variant Classification (06012015). Collection method: clinical testing. Allele origin: germline. Affected: yes.
Comment: The c.313_314delACinsGG variant in the RGS9 gene has not been reported previously as a pathogenic variant, nor as a benign variant, to our knowledge. This variant results in an in-frame deletion of Threonine 105 and insertion of Glycine, denoted p.Thr105Arg. The c.313_314delACinsGG variant is not observed in large population cohorts (Lek et al., 2016; 1000 Genomes Consortium et al., 2015; Exome Variant Server). The missense substitution resulting from the c.313_314delACinsGG variant is a non-conservative amino acid substitution, which is likely to impact secondary protein structure as these residues differ in polarity, charge, size and/or other properties. This substitution occurs at a position that is conserved across species, and in silico analysis predicts this variant is probably damaging to the protein structure/function. We interpret c.313_314delACinsGG as a variant of uncertain significance.

Eurofins Ntd Llc (ga)
Classification: Uncertain significance. Last evaluated: 2016-02-10. Review status: criteria provided, single submitter. Criteria: EGL Classification Definitions 2015. Collection method: clinical testing. Allele origin: germline. Observed: 2 variant alleles, 2 heterozygotes.

Institute of Human Genetics, Univ. Regensburg, Univ. Regensburg
Classification: Uncertain significance for Retinal dystrophy. Last evaluated: 2022-01-01. Review status: no assertion criteria provided. Criteria: ACMG Guidelines, 2015. Collection method: clinical testing. Allele origin: germline. Affected: yes. Not counted in ClinVar's aggregate classification.